The following is an entry in ClinVar:

ClinVar aggregate classification (germline): Uncertain significance (1 of 4 stars; one submission).

Conditions:
Hereditary cancer-predisposing syndrome. Also called: Hereditary Cancer Syndrome; Hereditary neoplastic syndrome; Neoplastic Syndromes, Hereditary; Tumor predisposition. Identifiers: Orphanet 140162, MedGen C0027672, MeSH D009386, MONDO:0015356.

Submission:

Ambry Genetics
Classification: Uncertain significance for Hereditary cancer-predisposing syndrome. Last evaluated: 2025-08-01. Review status: criteria provided, single submitter. Criteria: Ambry Variant Classification Scheme 2023. Collection method: clinical testing. Allele origin: germline.
Comment: The p.E160V variant (also known as c.479A>T), located in coding exon 5 of the FANCC gene, results from an A to T substitution at nucleotide position 479. The glutamic acid at codon 160 is replaced by valine, an amino acid with dissimilar properties. This amino acid position is conserved. In addition, this alteration is predicted to be deleterious by in silico analysis. Based on the available evidence, the clinical significance of this variant remains unclear.

NM_000136.3(FANCC):c.479A>T (p.Glu160Val)

Gene: FANCC (FA complementation group C; minus strand). Cytogenetic location: 9q22.32.
Variant type: single nucleotide variant.
Coding change: c.479A>T on transcript NM_000136.3 (MANE Select); coding-DNA position 479, A replaced by T.
Protein change: p.Glu160Val; replaces glutamic acid 160 with valine.
Molecular consequence: missense variant.
Genome position (GRCh38, 1-based): chr9:95,171,121, T>A on the plus strand (A>T on the coding strand, the complement: FANCC is on the minus strand). VCF-style: chr9-95171121-T-A. GRCh37 (hg19) VCF-style: chr9-97933403-T-A.
Other names: c.479A>T, p.Glu160Val (NM_001243744.2, NM_001243743.2); short protein forms E160V.
Identifiers: ClinVar variation 4254387 (VCV004254387.1).